The following is an entry in ClinVar:

NM_000138.5(FBN1):c.2298_2301del (p.Ile766fs)

Gene: FBN1 (fibrillin 1; minus strand). Cytogenetic location: 15q21.1.
Variant type: Deletion.
Coding change: c.2298_2301del on transcript NM_000138.5 (MANE Select); coding-DNA positions 2298 to 2301, 4 bases deleted (TAAT; older notation c.2298_2301delTAAT).
Protein change: p.Ile766fs; shifts the reading frame from isoleucine 766.
Molecular consequence: frameshift variant.
Genome position (GRCh38, 1-based): chr15:48,496,218-48,496,221, ATTA deleted on the plus strand (TAAT on the coding strand, the reverse complement: FBN1 is on the minus strand); deleting any 4 consecutive bases within chr15:48,496,218-48,496,223 gives the same sequence; the c. name uses the placement nearest the transcript's 3' end. VCF-style (leftmost placement, unchanged base first): chr15-48496217-CATTA-C. GRCh37 (hg19) VCF-style: chr15-48788414-CATTA-C.
Other names: short protein forms I766fs.
Identifiers: ClinVar variation 549072 (VCV000549072.21), dbSNP rs1555399281, ClinGen allele CA658824467.

ClinVar aggregate classification (germline): Pathogenic. Review status: criteria provided, multiple submitters, no conflicts (2 of 4 stars). 3 submissions from 3 submitters: Pathogenic (2). 1 of the submissions does not count toward it. Last evaluated 2023-12-15.

Conditions:
Familial thoracic aortic aneurysm and aortic dissection (TAAD). Also called: Thoracic aortic aneurysms and dissections. Identifiers: Orphanet 91387, MedGen C4707243, MONDO:0019625.
Marfan syndrome (MFS). Also called: Marfan syndrome type 1; Marfan syndrome, classic; Marfan's syndrome; FBN1-Related Marfan Syndrome; MARFAN SYNDROME, TYPE I. Identifiers: Orphanet 284963, Orphanet 558, MedGen C0024796, MONDO:0007947, OMIM 154700.

Submissions (3):

Labcorp Genetics (formerly Invitae), Labcorp
Classification: Pathogenic for Marfan syndrome; Familial thoracic aortic aneurysm and aortic dissection. Last evaluated: 2023-12-15. Review status: criteria provided, single submitter. Criteria: Invitae Variant Classification Sherloc (09022015). Collection method: clinical testing. Allele origin: germline.
Comment: This sequence change creates a premature translational stop signal (p.Ile766Metfs*5) in the FBN1 gene. It is expected to result in an absent or disrupted protein product. Loss-of-function variants in FBN1 are known to be pathogenic (PMID: 17657824, 19293843). This variant is not present in population databases (gnomAD no frequency). This premature translational stop signal has been observed in individual(s) with Marfan syndrome (PMID: 21542060). ClinVar contains an entry for this variant (Variation ID: 549072). For these reasons, this variant has been classified as Pathogenic.

Centre of Medical Genetics, University of Antwerp
Classification: Pathogenic for Marfan syndrome. Last evaluated: 2021-03-01. Review status: criteria provided, single submitter. Criteria: Submitter's publication. Collection method: research. Allele origin: unknown. Affected: yes.
Comment: PM2, PVS1, PP4

Center for Medical Genetics Ghent, University of Ghent
Classification: Likely pathogenic for Marfan syndrome. Last evaluated: 2017-11-07. Review status: no assertion criteria provided. Collection method: clinical testing. Allele origin: germline. Affected: yes. Not counted in ClinVar's aggregate classification.

Literature cited by the submitters: PubMed 17657824 (cited by Labcorp Genetics (formerly Invitae), Labcorp); PubMed 19293843 (cited by Labcorp Genetics (formerly Invitae), Labcorp); PubMed 21542060 (cited by Labcorp Genetics (formerly Invitae), Labcorp).